The following is an entry in ClinVar:

ClinVar aggregate classification (germline): Uncertain significance. Review status: criteria provided, multiple submitters, no conflicts (2 of 4 stars). 2 submissions from 2 submitters: Uncertain significance (2). Last evaluated 2025-10-25.

Conditions:
Inborn genetic diseases. Identifiers: MedGen C0950123, MeSH D030342.

Submissions (2):

Ambry Genetics
Classification: Uncertain significance for Inborn genetic diseases. Last evaluated: 2025-10-25. Review status: criteria provided, single submitter. Criteria: Ambry Variant Classification Scheme 2023. Collection method: clinical testing. Allele origin: germline.
Comment: The p.N606K variant (also known as c.1818C>G), located in coding exon 1 of the SAMD9L gene, results from a C to G substitution at nucleotide position 1818. The asparagine at codon 606 is replaced by lysine, an amino acid with similar properties. This amino acid position is conserved. In addition, this alteration is predicted to be tolerated by in silico analysis. Based on the available evidence, the clinical significance of this variant remains unclear.

Labcorp Genetics (formerly Invitae), Labcorp
Classification: Uncertain significance. Last evaluated: 2023-02-24. Review status: criteria provided, single submitter. Criteria: Invitae Variant Classification Sherloc (09022015). Collection method: clinical testing. Allele origin: germline.
Comment: This sequence change replaces asparagine, which is neutral and polar, with lysine, which is basic and polar, at codon 606 of the SAMD9L protein (p.Asn606Lys). In summary, the available evidence is currently insufficient to determine the role of this variant in disease. Therefore, it has been classified as a Variant of Uncertain Significance. Advanced modeling of protein sequence and biophysical properties (such as structural, functional, and spatial information, amino acid conservation, physicochemical variation, residue mobility, and thermodynamic stability) performed at Invitae indicates that this missense variant is not expected to disrupt SAMD9L protein function. This variant has not been reported in the literature in individuals affected with SAMD9L-related conditions. This variant is not present in population databases (gnomAD no frequency).

NM_152703.5(SAMD9L):c.1818C>G (p.Asn606Lys)

Gene: SAMD9L (sterile alpha motif domain containing 9 like; minus strand). Cytogenetic location: 7q21.2.
Variant type: single nucleotide variant.
Coding change: c.1818C>G on transcript NM_152703.5 (MANE Select); coding-DNA position 1818, C replaced by G.
Protein change: p.Asn606Lys; replaces asparagine 606 with lysine.
Molecular consequence: missense variant.
Genome position (GRCh38, 1-based): chr7:93,134,154, G>C on the plus strand (C>G on the coding strand, the complement: SAMD9L is on the minus strand). VCF-style: chr7-93134154-G-C. GRCh37 (hg19) VCF-style: chr7-92763467-G-C.
Other names: c.1818C>G, p.Asn606Lys (NM_001350085.2, NM_001303496.3, NM_001303497.3 and 5 more transcripts); c.1818C>G (NM_152703.2); short protein forms N606K.
Identifiers: ClinVar variation 2840526 (VCV002840526.4), dbSNP rs2116493293, ClinGen allele CA368194464.